The following is an entry in ClinVar:

ClinVar aggregate classification (germline): Uncertain significance (1 of 4 stars; one submission).

Submission:

Ambry Genetics
Classification: Uncertain significance. Last evaluated: 2026-04-26. Review status: criteria provided, single submitter. Criteria: Ambry Variant Classification Scheme 2023. Collection method: clinical testing. Allele origin: germline.
Comment: The p.D143E variant (also known as c.429T>A), located in coding exon 1 of the TET2 gene, results from a T to A substitution at nucleotide position 429. The aspartic acid at codon 143 is replaced by glutamic acid, an amino acid with highly similar properties. This amino acid position is conserved. In addition, this alteration is predicted to be tolerated by in silico analysis. Based on the available evidence, the clinical significance of this variant remains unclear.

NM_001127208.3(TET2):c.429T>A (p.Asp143Glu)

Genes: TET2 (tet methylcytosine dioxygenase 2; plus strand), TET2-AS1 (TET2 antisense RNA 1; minus strand). Cytogenetic location: 4q24.
Variant type: single nucleotide variant.
Coding change: c.429T>A on transcript NM_001127208.3 (MANE Select); coding-DNA position 429, T replaced by A.
Protein change: p.Asp143Glu; replaces aspartic acid 143 with glutamic acid.
Molecular consequence: missense variant.
Genome position (GRCh38, 1-based): chr4:105,234,371, T>A. VCF-style: chr4-105234371-T-A. GRCh37 (hg19) VCF-style: chr4-106155528-T-A.
Other names: c.429T>A, p.Asp143Glu (NM_017628.4); short protein forms D143E.
Identifiers: ClinVar variation 4865556 (VCV004865556.1).